The following is an entry in ClinVar:

ClinVar aggregate classification (germline): Uncertain significance. Review status: criteria provided, multiple submitters, no conflicts (2 of 4 stars). 2 submissions from 2 submitters: Uncertain significance (2). Last evaluated 2025-04-29.

Conditions:
Inborn genetic diseases. Identifiers: MedGen C0950123, MeSH D030342.

Allele frequency attached by ClinVar (database versions not stated): ExAC 0.00001.

Submissions (2):

Labcorp Genetics (formerly Invitae), Labcorp
Classification: Uncertain significance. Last evaluated: 2025-04-29. Review status: criteria provided, single submitter. Criteria: Invitae Variant Classification Sherloc (09022015). Collection method: clinical testing. Allele origin: germline.
Comment: This sequence change replaces proline, which is neutral and non-polar, with serine, which is neutral and polar, at codon 8 of the TNNI3K protein (p.Pro8Ser). This variant is present in population databases (rs750523606, gnomAD 0.002%). This variant has not been reported in the literature in individuals affected with TNNI3K-related conditions. ClinVar contains an entry for this variant (Variation ID: 1916218). An algorithm developed to predict the effect of missense changes on protein structure and function (PolyPhen-2) suggests that this variant is likely to be disruptive. In summary, the available evidence is currently insufficient to determine the role of this variant in disease. Therefore, it has been classified as a Variant of Uncertain Significance.

Ambry Genetics
Classification: Uncertain significance for Inborn genetic diseases. Last evaluated: 2025-04-17. Review status: criteria provided, single submitter. Criteria: Ambry Variant Classification Scheme 2023. Collection method: clinical testing. Allele origin: germline.

NM_015978.3(TNNI3K):c.22C>T (p.Pro8Ser)

Genes: FPGT-TNNI3K (FPGT-TNNI3K readthrough; plus strand), TNNI3K (TNNI3 interacting kinase; plus strand). Cytogenetic location: 1p31.1.
Variant type: single nucleotide variant.
Coding change: c.22C>T on transcript NM_015978.3 (MANE Select); coding-DNA position 22, C replaced by T.
Protein change: p.Pro8Ser; replaces proline 8 with serine.
Molecular consequence: missense variant. On other transcripts: intron variant (2).
Genome position (GRCh38, 1-based): chr1:74,235,473, C>T. VCF-style: chr1-74235473-C-T. GRCh37 (hg19) VCF-style: chr1-74701157-C-T.
Other names: c.344-629C>T (NM_001112808.3, NM_001199327.2); c.22C>T (NM_015978.2); short protein forms P8S.
Identifiers: ClinVar variation 1916218 (VCV001916218.6), dbSNP rs750523606, ClinGen allele CA908730.